The following is an entry in ClinVar:

NM_001042492.3(NF1):c.590C>G (p.Thr197Arg)

Gene: NF1 (neurofibromin 1; plus strand). Cytogenetic location: 17q11.2.
Variant type: single nucleotide variant.
Coding change: c.590C>G on transcript NM_001042492.3 (MANE Select); coding-DNA position 590, C replaced by G.
Protein change: p.Thr197Arg; replaces threonine 197 with arginine.
Molecular consequence: missense variant.
Genome position (GRCh38, 1-based): chr17:31,181,425, C>G. VCF-style: chr17-31181425-C-G. GRCh37 (hg19) VCF-style: chr17-29508443-C-G.
Other names: c.590C>G (LRG_214t2); c.590C>G, p.Thr197Arg (NM_000267.4, NM_001128147.3); short protein forms T197R.
Identifiers: ClinVar variation 666568 (VCV000666568.5), dbSNP rs1597658021, ClinGen allele CA398989196.

ClinVar aggregate classification (germline): Conflicting classifications of pathogenicity. Review status: criteria provided, conflicting classifications (1 of 4 stars). 3 submissions from 3 submitters: Likely pathogenic (1); Uncertain significance (2). Last evaluated 2024-04-02.

Conditions:
Neurofibromatosis, type 1 (NF1). Also called: Neurofibromatosis, type I; NEUROFIBROMATOSIS, TYPE I, SOMATIC; Peripheral type neurofibromatosis; VON RECKLINGHAUSEN DISEASE. Identifiers: Orphanet 636, MedGen C0027831, MONDO:0018975, OMIM 162200. Disease mechanism: loss of function.

Submissions (3):

Labcorp Genetics (formerly Invitae), Labcorp
Classification: Uncertain significance for Neurofibromatosis, type 1. Last evaluated: 2024-04-02. Review status: criteria provided, single submitter. Criteria: Invitae Variant Classification Sherloc (09022015). Collection method: clinical testing. Allele origin: germline.
Comment: This sequence change replaces threonine, which is neutral and polar, with arginine, which is basic and polar, at codon 197 of the NF1 protein (p.Thr197Arg). This variant is not present in population databases (gnomAD no frequency). This variant has not been reported in the literature in individuals affected with NF1-related conditions. ClinVar contains an entry for this variant (Variation ID: 666568). Advanced modeling of protein sequence and biophysical properties (such as structural, functional, and spatial information, amino acid conservation, physicochemical variation, residue mobility, and thermodynamic stability) has been performed at Invitae for this missense variant, however the output from this modeling did not meet the statistical confidence thresholds required to predict the impact of this variant on NF1 protein function. In summary, the available evidence is currently insufficient to determine the role of this variant in disease. Therefore, it has been classified as a Variant of Uncertain Significance.

Equipe Genetique des Anomalies du Developpement, Université de Bourgogne
Classification: Likely pathogenic for Neurofibromatosis, type 1. Last evaluated: 2018-07-10. Review status: criteria provided, single submitter. Criteria: ACMG Guidelines, 2015. Collection method: clinical testing. Allele origin: maternal. Affected: yes. Observed: 3 variant alleles.

Blueprint Genetics
Classification: Uncertain significance. Last evaluated: 2017-07-25. Review status: criteria provided, single submitter. Criteria: ACMG Guidelines, 2015. Collection method: clinical testing. Allele origin: germline.